The following is an entry in ClinVar:

ClinVar aggregate classification (germline): Likely benign (1 of 4 stars; one submission).

Allele frequency attached by ClinVar (database versions not stated): gnomAD exomes 0.00001; gnomAD 0.00003; TOPMed 0.00003.
gnomAD v4.1: 9 of 1,203,626 alleles (0.00075%); highest among the groups gnomAD compares: Admixed American, 0.02%; no homozygotes.

Submission:

Women's Health and Genetics/Laboratory Corporation of America, LabCorp
Classification: Likely benign. Last evaluated: 2023-10-18. Review status: criteria provided, single submitter. Criteria: LabCorp Variant Classification Summary - May 2015. Collection method: clinical testing. Allele origin: germline.
Comment: Variant summary: CLIC2 c.168-17A>T alters a non-conserved nucleotide located at a position not widely known to affect splicing. Consensus agreement among computational tools predict no significant impact on normal splicing. However, these predictions have yet to be confirmed by functional studies. The variant allele was found at a frequency of 2.2e-05 in 183128 control chromosomes (gnomAD). The available data on variant occurrences in the general population are insufficient to allow any conclusion about variant significance. To our knowledge, no occurrence of c.168-17A>T in individuals affected with X-Linked Intellectual Disability-Cardiomegaly Heart Failure Syndrome and no experimental evidence demonstrating its impact on protein function have been reported. No submitters have cited clinical-significance assessments for this variant to ClinVar after 2014. Based on the evidence outlined above, the variant was classified as likely benign.

NM_001289.6(CLIC2):c.168-17A>T

Gene: CLIC2 (chloride intracellular channel 2; minus strand). Cytogenetic location: Xq28.
Variant type: single nucleotide variant.
Coding change: c.168-17A>T on transcript NM_001289.6 (MANE Select); 17 bases into the intron before coding-DNA position 168, A replaced by T.
Molecular consequence: intron variant.
Genome position (GRCh38, 1-based): chrX:155,298,927, T>A on the plus strand (A>T on the coding strand, the complement: CLIC2 is on the minus strand). VCF-style: chrX-155298927-T-A. GRCh37 (hg19) VCF-style: chrX-154528240-T-A.
Identifiers: ClinVar variation 2637799 (VCV002637799.1), dbSNP rs1292304386, ClinGen allele CA645293282.